The following is an entry in ClinVar:

ClinVar aggregate classification (germline): Pathogenic/Likely pathogenic. Review status: criteria provided, multiple submitters, no conflicts (2 of 4 stars). 11 submissions from 11 submitters: Pathogenic (9); Likely pathogenic (1). 1 of the submissions does not count toward it. Last evaluated 2025-05-30.

Conditions:
Cardiovascular phenotype. Identifiers: MedGen CN230736.
Familial isolated arrhythmogenic right ventricular dysplasia. Identifiers: Orphanet 217656, MedGen C4274968, MONDO:0016342.
Cardiomyopathy (CMYO). Also called: Cardiomyopathies. Identifiers: Orphanet 167848, MedGen C0878544, MONDO:0004994, HP:0001638. Inheritance: Various modes of inheritance.
Arrhythmogenic right ventricular cardiomyopathy (ARVD). Also called: Arrhythmogenic cardiomyopathy; Arrhythmogenic Right Ventricular Cardiomyopathy (ARVC); Cardiomyopathy, ARVC; Arrhythmogenic right ventricular dysplasia. Identifiers: Orphanet 247, MedGen C0349788, MeSH D019571, MONDO:0016587. Disease mechanism: loss of function. Inheritance: Various modes of inheritance.
Arrhythmogenic right ventricular dysplasia 9 (ARVD9). Also called: Arrhythmogenic Right Ventricular Dysplasia/Cardiomyopathy 9; ARRHYTHMOGENIC RIGHT VENTRICULAR DYSPLASIA, FAMILIAL, 9. Identifiers: MedGen C1836906, MONDO:0012180, OMIM 609040.

Allele frequency attached by ClinVar (database versions not stated): gnomAD exomes below 0.00001; ExAC 0.00001; gnomAD 0.00001; TOPMed 0.00001.

Submissions (11):

Color Diagnostics, LLC DBA Color Health
Classification: Pathogenic for Cardiomyopathy. Last evaluated: 2025-05-30. Review status: criteria provided, single submitter. Criteria: ACMG Guidelines, 2015. Collection method: clinical testing. Allele origin: germline.
Comment: This variant deletes 2 nucleotides in exon 3 of the PKP2 gene, creating a frameshift and premature translation stop signal. This variant is expected to result in an absent or non-functional protein product. This variant has been reported in two individuals affected with arrhythmogenic right ventricular cardiomyopathy/dysplasia (PMID: 28069705, 28588093, 30677492, 31386562, 39071538). This variant has been identified in 2/282412 chromosomes in the general population by the Genome Aggregation Database (gnomAD). Loss of PKP2 function is a known mechanism of disease. Based on the available evidence, this variant is classified as Pathogenic.

Labcorp Genetics (formerly Invitae), Labcorp
Classification: Pathogenic for Arrhythmogenic right ventricular dysplasia 9. Last evaluated: 2025-05-17. Review status: criteria provided, single submitter. Criteria: Invitae Variant Classification Sherloc (09022015). Collection method: clinical testing. Allele origin: germline.
Comment: This sequence change creates a premature translational stop signal (p.Val280Hisfs*55) in the PKP2 gene. It is expected to result in an absent or disrupted protein product. Loss-of-function variants in PKP2 are known to be pathogenic (PMID: 15489853, 17041889, 23911551). This variant is present in population databases (rs772220644, gnomAD 0.008%). This premature translational stop signal has been observed in individual(s) with arrhythmogenic right ventricular cardiomyopathy (PMID: 28069705). ClinVar contains an entry for this variant (Variation ID: 202015). For these reasons, this variant has been classified as Pathogenic.

Women's Health and Genetics/Laboratory Corporation of America, LabCorp
Classification: Pathogenic for Familial isolated arrhythmogenic right ventricular dysplasia. Last evaluated: 2024-10-07. Review status: criteria provided, single submitter. Criteria: LabCorp Variant Classification Summary - May 2015. Collection method: clinical testing. Allele origin: germline.
Comment: Variant summary: PKP2 c.837_838delCG (p.Val280HisfsX55) results in a premature termination codon, predicted to cause a truncation of the encoded protein or absence of the protein due to nonsense mediated decay, which are commonly known mechanisms for disease. The variant allele was found at a frequency of 4e-06 in 251016 control chromosomes (gnomAD). c.837_838delCG has been reported in the literature in individuals affected with PKP2-related conditions (example: Dries_GM_2021). The following publication has been ascertained in the context of this evaluation (PMID: 34120153). ClinVar contains an entry for this variant (Variation ID: 202015). Based on the evidence outlined above, the variant was classified as pathogenic.

All of Us Research Program, National Institutes of Health
Classification: Pathogenic for Arrhythmogenic right ventricular cardiomyopathy. Last evaluated: 2023-11-16. Review status: criteria provided, single submitter. Criteria: ACMG Guidelines, 2015. Collection method: clinical testing. Allele origin: germline. Inheritance: Autosomal dominant inheritance. Observed: 1 variant allele, 1 heterozygote.
Comment: The c.837_838del (p.Val280Hisfs*55) variant in the PKP2 gene creates a premature termination codon that is predicted to lead to an absent or truncated protein product. This variant has been reported in at least three individuals (two individuals in digenic heterozygous status with a p.Arg406Gln variant in the DES gene) from the arrhythmogenic right ventricular cardiomyopathy/dysplasia cohorts (PMID: 28069705, 28588093, 30677492) and in one individual from an analytical cross-sectional study screening the ACMG59 gene, whose detailed phenotype is not described (PMID: 35803546). Loss of function variants are well known to be pathogenic for PKP2 (PMID: 23911551, 15489853, 24704780, 29038103, 34120153). Truncating variants downstream of this variant are reported to be pathogenic by several ClinVar submitters (ClinVar ID: 1693180, 1184949, 2040092, 1767649). This variant is found to be rare (2/282412; 0.000007) in the general population database (gnomAD) and interpreted as pathogenic by several (5) submitters in the ClinVar database (ClinVar ID: 202015). Therefore, the c.837_838del (p.Val280Hisfs*55) variant in the PKP2 gene is classified as pathogenic.

This study involves interpretation of variants in research participants for the purpose of population health screening. Participant phenotype was not available at the time of variant classification. Additional details can be found in publication PMID: 35346344, PMCID: PMC8962531

Baylor Genetics
Classification: Pathogenic for Arrhythmogenic right ventricular dysplasia 9. Last evaluated: 2023-05-20. Review status: criteria provided, single submitter. Criteria: ACMG Guidelines, 2015. Collection method: clinical testing. Allele origin: unknown.

Ambry Genetics
Classification: Pathogenic for Cardiovascular phenotype. Last evaluated: 2022-12-05. Review status: criteria provided, single submitter. Criteria: Ambry Variant Classification Scheme 2023. Collection method: clinical testing. Allele origin: germline.
Comment: The c.837_838delCG pathogenic mutation, located in coding exon 3 of the PKP2 gene, results from a deletion of two nucleotides at nucleotide positions 837 to 838, causing a translational frameshift with a predicted alternate stop codon (p.V280Hfs*55). This alteration has been reported in arrhythmogenic right ventricular cardiomyopathy (ARVC) cohorts (Te Riele AS et al. Cardiovasc Res, 2017 Jan;113:102-111; Orgeron GM et al. J Am Heart Assoc, 2017 Jun;6:[ePub ahead of print]). This alteration is expected to result in loss of function by premature protein truncation or nonsense-mediated mRNA decay. As such, this alteration is interpreted as a disease-causing mutation.

GeneDx
Classification: Pathogenic. Last evaluated: 2021-12-28. Review status: criteria provided, single submitter. Criteria: GeneDx Variant Classification Process June 2021. Collection method: clinical testing. Allele origin: germline. Affected: yes.
Comment: Identified in a patient with arrhythmogenic right ventricular cardiomyopathy in published literature (Te Riele et al., 2017) and in individuals referred for genetic testing at GeneDx; Not observed at a significant frequency in large population cohorts (Lek et al., 2016); Frameshift variant predicted to result in protein truncation or nonsense mediated decay in a gene for which loss-of-function is a known mechanism of disease; This variant is associated with the following publications: (PMID: 30677492, 28069705, 31447099, 31386562, 31402444)

Human Genome Sequencing Center Clinical Lab, Baylor College of Medicine
Classification: Pathogenic for Arrhythmogenic right ventricular dysplasia 9. Last evaluated: 2021-06-14. Review status: criteria provided, single submitter. Criteria: ACMG Guidelines, 2015. Collection method: clinical testing. Allele origin: unknown.
Comment: The c.837_838del (p.Val280Hisfs*55) variant in the PKP2 gene creates a premature termination codon that is predicted to lead to an absent or truncated protein product. This variant has been reported in at least three individuals (two individuals in digenic heterozygous status with a p.Arg406Gln variant in the DES gene) from the arrhythmogenic right ventricular cardiomyopathy/dysplasia cohorts (PMID: 28069705, 28588093, 30677492) and in one individual from an analytical cross-sectional study screening the ACMG59 gene, whose detailed phenotype is not described (PMID: 35803546). Loss of function variants are well known to be pathogenic for PKP2 (PMID: 23911551, 15489853, 24704780, 29038103, 34120153). Truncating variants downstream of this variant are reported to be pathogenic by several ClinVar submitters (ClinVar ID: 1693180, 1184949, 2040092, 1767649). This variant is found to be rare (2/282412; 0.000007) in the general population database (gnomAD) and interpreted as pathogenic by several (5) submitters in the ClinVar database (ClinVar ID: 202015). Therefore, the c.837_838del (p.Val280Hisfs*55) variant in the PKP2 gene is classified as pathogenic.

Revvity Omics, Revvity
Classification: Pathogenic for Arrhythmogenic right ventricular dysplasia 9. Last evaluated: 2019-08-20. Review status: criteria provided, single submitter. Criteria: ACMG Guidelines, 2015. Collection method: clinical testing. Allele origin: germline.

Laboratory for Molecular Medicine, Mass General Brigham Personalized Medicine
Classification: Likely pathogenic for Arrhythmogenic right ventricular cardiomyopathy. Last evaluated: 2019-03-29. Review status: criteria provided, single submitter. Criteria: ACMG Guidelines, 2015. Collection method: clinical testing. Allele origin: germline. Inheritance: Autosomal dominant inheritance.
Comment: The p.Val280fs variant in PKP2 has not been previously reported in individuals with cardiomyopathy, but has been identified in 2/24030 African chromosomes by the Exome Aggregation Consortium (ExAC; dbSNP rs772220644) and has been reported in ClinVar (Variantion ID: 202015). This variant is predicted to cause a frameshift, which alters the protein’s amino acid sequence beginning at position 280 and leads to a premature termination codon 55 amino acids downstream. This alteration is then predicted to lead to a truncated or absent protein. Frameshift and other truncating variants in PKP2 are well-reported in individuals with ARVC (ARVD/C Genetic Variant Database; Human Gene Mutation Database). In summary, although additional studies are required to fully establish its clinical significance, the p.Val280fs variant is likely pathogenic.

Gharavi Laboratory, Columbia University
Classification: Pathogenic. Last evaluated: 2018-09-16. Review status: no assertion criteria provided. Criteria: ACMG Guidelines, 2015. Collection method: research. Allele origin: germline. Affected: yes. Not counted in ClinVar's aggregate classification.

Literature cited by the submitters: PubMed 28069705 (cited by 5 submitters); PubMed 28588093 (cited by 3 submitters); PubMed 30677492 (cited by Color Diagnostics, LLC DBA Color Health and All of Us Research Program, National Institutes of Health); PubMed 31386562 (cited by Color Diagnostics, LLC DBA Color Health); PubMed 39071538 (cited by Color Diagnostics, LLC DBA Color Health); PubMed 15489853 (cited by Labcorp Genetics (formerly Invitae), Labcorp and All of Us Research Program, National Institutes of Health); PubMed 17041889 (cited by Labcorp Genetics (formerly Invitae), Labcorp); PubMed 23911551 (cited by Labcorp Genetics (formerly Invitae), Labcorp and All of Us Research Program, National Institutes of Health); PubMed 34120153 (cited by Women's Health and Genetics/Laboratory Corporation of America, LabCorp and All of Us Research Program, National Institutes of Health); PubMed 24704780 (cited by All of Us Research Program, National Institutes of Health); PubMed 29038103 (cited by All of Us Research Program, National Institutes of Health); PubMed 35803546 (cited by All of Us Research Program, National Institutes of Health).

NM_001005242.3(PKP2):c.837_838del (p.Val280fs)

Gene: PKP2 (plakophilin 2; minus strand). Cytogenetic location: 12p11.21.
Variant type: Deletion.
Coding change: c.837_838del on transcript NM_001005242.3 (MANE Select); coding-DNA positions 837 to 838, 2 bases deleted (CG; older notation c.837_838delCG).
Protein change: p.Val280fs; shifts the reading frame from valine 280.
Molecular consequence: frameshift variant.
Genome position (GRCh38, 1-based): chr12:32,878,042-32,878,043, CG deleted on the plus strand (CG on the coding strand, the reverse complement: PKP2 is on the minus strand). VCF-style (leftmost placement, unchanged base first): chr12-32878041-ACG-A. GRCh37 (hg19) VCF-style: chr12-33030975-ACG-A.
Other names: c.837_838delCG (NM_004572.4, NM_004572.3); c.837_838del, p.Val280fs (NM_004572.4); short protein forms V280fs.
Identifiers: ClinVar variation 202015 (VCV000202015.23), dbSNP rs772220644, ClinGen allele CA012527.